The following is an entry in ClinVar:

NM_000384.3(APOB):c.6900A>T (p.Gln2300His)

Gene: APOB (apolipoprotein B; minus strand). Cytogenetic location: 2p24.1.
Variant type: single nucleotide variant.
Coding change: c.6900A>T on transcript NM_000384.3 (MANE Select); coding-DNA position 6900, A replaced by T.
Protein change: p.Gln2300His; replaces glutamine 2300 with histidine.
Molecular consequence: missense variant.
Genome position (GRCh38, 1-based): chr2:21,009,968, T>A on the plus strand (A>T on the coding strand, the complement: APOB is on the minus strand). VCF-style: chr2-21009968-T-A. GRCh37 (hg19) VCF-style: chr2-21232840-T-A.
Other names: short protein forms Q2300H.
Identifiers: ClinVar variation 2934305 (VCV002934305.3), dbSNP rs745363709, ClinGen allele CA346000333.

ClinVar aggregate classification (germline): Uncertain significance (1 of 4 stars; one submission).

Conditions:
Familial hypobetalipoproteinemia 1. Also called: APOB-Related Familial Hypobetalipoproteinemia; Hypobetalipoproteinemia, normotriglyceridemic; Acanthocytosis with hypobetalipoproteinemia. Identifiers: MedGen C4551990, MONDO:0014252, OMIM 615558.
Hypercholesterolemia, autosomal dominant, type B (FHCL2). Also called: Familial Hypercholesterolemia Type B; APOLIPOPROTEIN B-100, FAMILIAL DEFECTIVE; APOLIPOPROTEIN B-100, FAMILIAL LIGAND-DEFECTIVE; HYPERCHOLESTEROLEMIA, FAMILIAL, DUE TO LIGAND-DEFECTIVE APOLIPOPROTEIN B; Hyperlipoproteinemia Type IIb; Familial hypercholesterolemia 2. Identifiers: MedGen C1704417, MONDO:0007751, OMIM 144010.

gnomAD v4.1: 3 of 1,613,834 alleles (0.00019%); highest among the groups gnomAD compares: East Asian, 0.0045%; no homozygotes.

Submission:

Labcorp Genetics (formerly Invitae), Labcorp
Classification: Uncertain significance for Familial hypobetalipoproteinemia 1; Hypercholesterolemia, autosomal dominant, type B. Last evaluated: 2023-09-18. Review status: criteria provided, single submitter. Criteria: Invitae Variant Classification Sherloc (09022015). Collection method: clinical testing. Allele origin: germline.
Comment: This variant has not been reported in the literature in individuals affected with APOB-related conditions. This sequence change replaces glutamine, which is neutral and polar, with histidine, which is basic and polar, at codon 2300 of the APOB protein (p.Gln2300His). This variant is not present in population databases (gnomAD no frequency). Advanced modeling of protein sequence and biophysical properties (such as structural, functional, and spatial information, amino acid conservation, physicochemical variation, residue mobility, and thermodynamic stability) performed at Invitae indicates that this missense variant is not expected to disrupt APOB protein function. In summary, the available evidence is currently insufficient to determine the role of this variant in disease. Therefore, it has been classified as a Variant of Uncertain Significance.